The following is an entry in ClinVar:

NC_000023.10:g.(?_149783042)_(149787632_?)del

Gene: MTM1 (myotubularin 1; plus strand). Cytogenetic location: Xq28.
Variant type: Deletion.
Identifiers: ClinVar variation 644829 (VCV000644829.7).

ClinVar aggregate classification (germline): Likely pathogenic (1 of 4 stars; one submission).

Conditions:
Severe X-linked myotubular myopathy (CNMX). Also called: MYOTUBULAR MYOPATHY 1; Myotubular myopathy, X-linked; X-linked centronuclear myopathy. Identifiers: Orphanet 596, MedGen C0410203, MONDO:0010683, OMIM 310400.

Submission:

Labcorp Genetics (formerly Invitae), Labcorp
Classification: Likely pathogenic for Severe X-linked myotubular myopathy. Last evaluated: 2021-08-04. Review status: criteria provided, single submitter. Criteria: Invitae Variant Classification Sherloc (09022015). Collection method: clinical testing. Allele origin: germline.
Comment: This variant is a gross deletion of the genomic region encompassing exon(s) 5-6 of the MTM1 gene. This variant would be expected to be in-frame, preserving the integrity of the reading frame. A similar copy number variant has been observed in individuals with MTM1-related conditions (PMID: 9285787; Invitae). In summary, the currently available evidence indicates that the variant is pathogenic, but additional data are needed to prove that conclusively. Therefore, this variant has been classified as Likely Pathogenic.

Literature cited by the submitters: PubMed 9285787.